The following is an entry in ClinVar:

ClinVar aggregate classification (germline): Uncertain significance. Review status: criteria provided, multiple submitters, no conflicts (2 of 4 stars). 2 submissions from 2 submitters: Uncertain significance (2). Last evaluated 2025-07-14.

Allele frequency attached by ClinVar (database versions not stated): gnomAD exomes 0.00001; TOPMed 0.00001.
gnomAD v4.1: 20 of 1,604,926 alleles (0.0012%); highest among the groups gnomAD compares: Non-Finnish European, 0.0017%; no homozygotes.

Submissions (2):

GeneDx
Classification: Uncertain significance. Last evaluated: 2025-07-14. Review status: criteria provided, single submitter. Criteria: GeneDx Variant Classification Process June 2021. Collection method: clinical testing. Allele origin: germline. Affected: yes.
Comment: Not observed at significant frequency in large population cohorts (gnomAD); In silico analysis supports that this missense variant has a deleterious effect on protein structure/function; Has not been previously published as pathogenic or benign to our knowledge

Labcorp Genetics (formerly Invitae), Labcorp
Classification: Uncertain significance. Last evaluated: 2023-08-17. Review status: criteria provided, single submitter. Criteria: Invitae Variant Classification Sherloc (09022015). Collection method: clinical testing. Allele origin: germline.
Comment: This sequence change replaces lysine, which is basic and polar, with glutamic acid, which is acidic and polar, at codon 454 of the FASTKD2 protein (p.Lys454Glu). This variant is not present in population databases (gnomAD no frequency). This variant has not been reported in the literature in individuals affected with FASTKD2-related conditions. Advanced modeling of protein sequence and biophysical properties (such as structural, functional, and spatial information, amino acid conservation, physicochemical variation, residue mobility, and thermodynamic stability) performed at Invitae indicates that this missense variant is expected to disrupt FASTKD2 protein function. In summary, the available evidence is currently insufficient to determine the role of this variant in disease. Therefore, it has been classified as a Variant of Uncertain Significance.

NM_001136193.2(FASTKD2):c.1360A>G (p.Lys454Glu)

Gene: FASTKD2 (FAST kinase domains 2; plus strand). Cytogenetic location: 2q33.3.
Variant type: single nucleotide variant.
Coding change: c.1360A>G on transcript NM_001136193.2 (MANE Select); coding-DNA position 1360, A replaced by G.
Protein change: p.Lys454Glu; replaces lysine 454 with glutamic acid.
Molecular consequence: missense variant.
Genome position (GRCh38, 1-based): chr2:206,774,330, A>G. VCF-style: chr2-206774330-A-G. GRCh37 (hg19) VCF-style: chr2-207639054-A-G.
Other names: c.1360A>G, p.Lys454Glu (NM_001136194.2, NM_014929.4); c.1360A>G (NM_014929.3); short protein forms K454E.
Identifiers: ClinVar variation 3014682 (VCV003014682.4), dbSNP rs963334964, ClinGen allele CA63717275.